The following is an entry in ClinVar:

NM_001035.3(RYR2):c.5311A>G (p.Ile1771Val)

Gene: RYR2 (ryanodine receptor 2; plus strand). Cytogenetic location: 1q43.
Variant type: single nucleotide variant.
Coding change: c.5311A>G on transcript NM_001035.3 (MANE Select); coding-DNA position 5311, A replaced by G.
Protein change: p.Ile1771Val; replaces isoleucine 1771 with valine.
Molecular consequence: missense variant.
Genome position (GRCh38, 1-based): chr1:237,614,439, A>G. VCF-style: chr1-237614439-A-G. GRCh37 (hg19) VCF-style: chr1-237777739-A-G.
Other names: short protein forms I1771V.
Identifiers: ClinVar variation 1060539 (VCV001060539.13), dbSNP rs1678240011, ClinGen allele CA345404748.
Genomic context (GRCh38, chr1:237,614,439, plus strand): 5'-ATCGGCCTCAGCACCTCCCTCAGGCCACGGATGCAGTTTTCCTCCCCCAGTTTTGTAAGC[A>G]TTAGTAATGAATGTTACCAGTACAGTCCAGAGTTCCCACTGGACATCCTCAAGTCCAAAA-3'
Protein context (NP_001026.2, residues 1761-1781): MQFSSPSFVS[Ile1771Val]SNECYQYSPE

ClinVar aggregate classification (germline): Conflicting classifications of pathogenicity. Review status: criteria provided, conflicting classifications (1 of 4 stars). 3 submissions from 3 submitters: Uncertain significance (2); Likely benign (1). Last evaluated 2025-09-19.

Conditions:
Arrhythmogenic right ventricular dysplasia 2. Identifiers: MedGen C1832931.
Ventricular arrhythmias due to cardiac ryanodine receptor calcium release deficiency syndrome. Also called: Autosomal dominant cardiac arrhythmia (Kuhn). Identifiers: MedGen C5542154, MONDO:0020745, OMIM 115000.
Catecholaminergic polymorphic ventricular tachycardia 1. Also called: VENTRICULAR TACHYCARDIA, CATECHOLAMINERGIC POLYMORPHIC, 1, WITH OR WITHOUT ATRIAL DYSFUNCTION AND/OR DILATED CARDIOMYOPATHY; RYR2-Related Catecholaminergic Polymorphic Ventricular Tachycardia; VENTRICULAR TACHYCARDIA, STRESS-INDUCED POLYMORPHIC 1. Identifiers: Orphanet 3286, MedGen C1631597, MONDO:0011484, OMIM 604772.
Cardiovascular phenotype. Identifiers: MedGen CN230736.

Allele frequency attached by ClinVar (database versions not stated): TOPMed below 0.00001.

Submissions (3):

Labcorp Genetics (formerly Invitae), Labcorp
Classification: Uncertain significance for Catecholaminergic polymorphic ventricular tachycardia 1. Last evaluated: 2025-09-19. Review status: criteria provided, single submitter. Criteria: Invitae Variant Classification Sherloc (09022015). Collection method: clinical testing. Allele origin: germline.
Comment: This sequence change replaces isoleucine, which is neutral and non-polar, with valine, which is neutral and non-polar, at codon 1771 of the RYR2 protein (p.Ile1771Val). This variant is not present in population databases (gnomAD no frequency). This variant has not been reported in the literature in individuals affected with RYR2-related conditions. ClinVar contains an entry for this variant (Variation ID: 1060539). Invitae Evidence Modeling of protein sequence and biophysical properties (such as structural, functional, and spatial information, amino acid conservation, physicochemical variation, residue mobility, and thermodynamic stability) indicates that this missense variant is not expected to disrupt RYR2 protein function with a negative predictive value of 95%. In summary, the available evidence is currently insufficient to determine the role of this variant in disease. Therefore, it has been classified as a Variant of Uncertain Significance.

Fulgent Genetics
Classification: Uncertain significance for Ventricular arrhythmias due to cardiac ryanodine receptor calcium release deficiency syndrome; Catecholaminergic polymorphic ventricular tachycardia 1. Last evaluated: 2022-02-15. Review status: criteria provided, single submitter. Criteria: ACMG Guidelines, 2015. Collection method: clinical testing. Allele origin: unknown.

Ambry Genetics
Classification: Likely benign for Cardiovascular phenotype. Last evaluated: 2022-02-03. Review status: criteria provided, single submitter. Criteria: Ambry Variant Classification Scheme 2023. Collection method: clinical testing. Allele origin: germline.